The following is an entry in ClinVar:

NM_152419.3(HGSNAT):c.1237C>T (p.Pro413Ser)

Gene: HGSNAT (heparan-alpha-glucosaminide N-acetyltransferase; plus strand). Cytogenetic location: 8p11.21.
Variant type: single nucleotide variant.
Coding change: c.1237C>T on transcript NM_152419.3 (MANE Select); coding-DNA position 1237, C replaced by T.
Protein change: p.Pro413Ser; replaces proline 413 with serine.
Molecular consequence: missense variant.
Genome position (GRCh38, 1-based): chr8:43,191,582, C>T. VCF-style: chr8-43191582-C-T. GRCh37 (hg19) VCF-style: chr8-43046725-C-T.
Other names: p.Pro413Ser; c.1237C>T, p.Pro413Ser (NM_001363227.2); c.1045C>T, p.Pro349Ser (NM_001363228.2); c.373C>T, p.Pro125Ser (NM_001363229.2); short protein forms P413S, P349S, P125S.
Identifiers: ClinVar variation 363147 (VCV000363147.30), dbSNP rs201346206, ClinGen allele CA4736810.

ClinVar aggregate classification (germline): Conflicting classifications of pathogenicity. Review status: criteria provided, conflicting classifications (1 of 4 stars). 13 submissions from 13 submitters: Likely pathogenic (1); Uncertain significance (8). 4 of the submissions do not count toward it. Last evaluated 2026-07-01.

Conditions:
Inborn genetic diseases. Identifiers: MedGen C0950123, MeSH D030342.
Mucopolysaccharidosis, MPS-III-C (MPS3C). Also called: MUCOPOLYSACCHARIDOSIS, TYPE IIIC; Mucopolysaccharidosis type IIIC (Sanfilippo C); MPS IIIC (Sanfilippo Syndrome Type C); SANFILIPPO SYNDROME C; mucopolysaccharidosis type 3C; MPS III C. Identifiers: Orphanet 581, Orphanet 79271, MedGen C0086649, MONDO:0009657, OMIM 252930.
Retinitis pigmentosa 73 (RP73). Identifiers: Orphanet 791, MedGen C4225287, MONDO:0014687, OMIM 616544.
Retinal dystrophy. Also called: Inherited retinal dystrophy. Identifiers: Orphanet 71862, MedGen C0854723, MeSH D058499, MONDO:0019118, HP:0000556.
HGSNAT-related disorder. Also called: HGSNAT-related condition.

Allele frequency attached by ClinVar (database versions not stated): gnomAD exomes 0.00030 and 0.00054; ESP Exome Variant Server 0.00032; gnomAD 0.00038; 1000 Genomes Project 0.00020; 1000 Genomes Project 30x 0.00016; ExAC 0.00036; TOPMed 0.00043.
gnomAD v4.1: 839 of 1,613,922 alleles (0.052%); highest among the groups gnomAD compares: Non-Finnish European, 0.066%; no homozygotes.

Submissions (13):

PreventionGenetics, part of Exact Sciences
Classification: Uncertain significance for HGSNAT-related condition. Last evaluated: 2026-07-01. Review status: criteria provided, single submitter. Criteria: ACMG Guidelines, 2015. Collection method: clinical testing. Allele origin: germline.
Comment: The HGSNAT c.1237C>T variant is predicted to result in the amino acid substitution p.Pro413Ser. This variant was previously reported in one individual in a cohort of patients with Parkinson's disease (supplementary data, Robak et al. 2017. PubMed ID: 29140481). This variant is present in 0.055% of alleles in individuals of European (Non-Finnish) descent in gnomAD. At this time, the clinical significance of this variant is uncertain due to the absence of conclusive functional and genetic evidence.

Ambry Genetics
Classification: Uncertain significance for Inborn genetic diseases. Last evaluated: 2026-03-31. Review status: criteria provided, single submitter. Criteria: Ambry Variant Classification Scheme 2023. Collection method: clinical testing. Allele origin: germline.
Comment: The c.1237C>T (p.P413S) alteration is located in exon 12 (coding exon 12) of the HGSNAT gene. This alteration results from a C to T substitution at nucleotide position 1237, causing the proline (P) at amino acid position 413 to be replaced by a serine (S). Based on data from gnomAD, the T allele has an overall frequency of 0.03% (85/280602) total alleles studied. The highest observed frequency was 0.055% (70/128402) of European (non-Finnish) alleles. Based on insufficient or conflicting evidence, the clinical significance of this alteration remains unclear.

Women's Health and Genetics/Laboratory Corporation of America, LabCorp
Classification: Uncertain significance. Last evaluated: 2026-03-31. Review status: criteria provided, single submitter. Criteria: LabCorp Variant Classification Summary - May 2015. Collection method: clinical testing. Allele origin: germline.
Comment: Variant summary: HGSNAT c.1237C>T (p.Pro413Ser) results in a non-conservative amino acid change located in the Heparan-alpha-glucosaminide N-acetyltransferase, catalytic domain (IPR012429) of the encoded protein sequence. Algorithms developed to predict the effect of missense changes on protein structure and function all suggest that this variant is likely to be disruptive. The variant allele was found at a frequency of 0.00031 in 252566 control chromosomes. This frequency is not significantly higher than estimated for disease-causing variants in HGSNAT, allowing no conclusion about variant significance. c.1237C>T has been reported in the literature in one individual affected with Parkinsons disease as well as in two control subjects (Robak_2017). The report does not provide unequivocal conclusions about association of the variant with Mucopolysaccharidosis, MPS-III-C. To our knowledge, no experimental evidence demonstrating an impact on protein function has been reported. The following publication have been ascertained in the context of this evaluation (PMID: 29140481). ClinVar contains an entry for this variant (Variation ID: 363147). Based on the evidence outlined above, the variant was classified as uncertain significance.

GeneDx
Classification: Uncertain significance. Last evaluated: 2025-12-15. Review status: criteria provided, single submitter. Criteria: GeneDx Variant Classification Process June 2021. Collection method: clinical testing. Allele origin: germline. Affected: yes.
Comment: In silico analysis supports that this missense variant has a deleterious effect on protein structure/function; Reported in one individual from a cohort of individuals with Parkinson's disease (PMID: 29140481); This variant is associated with the following publications: (PMID: 29140481)

Blueprint Genetics
Classification: Uncertain significance. Last evaluated: 2024-11-05. Review status: criteria provided, single submitter. Criteria: ACMG Guidelines, 2015. Collection method: clinical testing. Allele origin: germline.

Mayo Clinic Laboratories, Mayo Clinic
Classification: Uncertain significance. Last evaluated: 2023-11-16. Review status: criteria provided, single submitter. Criteria: ACMG Guidelines, 2015. Collection method: clinical testing. Allele origin: germline. Observed: 1 variant allele.
Comment: PP3

Labcorp Genetics (formerly Invitae), Labcorp
Classification: Uncertain significance for Retinitis pigmentosa 73; Mucopolysaccharidosis, MPS-III-C. Last evaluated: 2022-09-06. Review status: criteria provided, single submitter. Criteria: Invitae Variant Classification Sherloc (09022015). Collection method: clinical testing. Allele origin: germline.
Comment: This sequence change replaces proline, which is neutral and non-polar, with serine, which is neutral and polar, at codon 413 of the HGSNAT protein (p.Pro413Ser). This variant is present in population databases (rs201346206, gnomAD 0.06%). This variant has not been reported in the literature in individuals affected with HGSNAT-related conditions. ClinVar contains an entry for this variant (Variation ID: 363147). Advanced modeling of protein sequence and biophysical properties (such as structural, functional, and spatial information, amino acid conservation, physicochemical variation, residue mobility, and thermodynamic stability) performed at Invitae indicates that this missense variant is expected to disrupt HGSNAT protein function. In summary, the available evidence is currently insufficient to determine the role of this variant in disease. Therefore, it has been classified as a Variant of Uncertain Significance.

Institute of Human Genetics, University of Goettingen
Classification: Likely pathogenic for Mucopolysaccharidosis, MPS-III-C. Last evaluated: 2020-08-14. Review status: criteria provided, single submitter. Criteria: ACMG Guidelines, 2015. Collection method: clinical testing. Allele origin: maternal. Inheritance: Autosomal recessive inheritance. Affected: yes. Observed: 1 compound heterozygote.
Comment: The HGSNAT variant c.1237C>T (p.(Pro413Ser)) is found at a population frequency of 0.03% in the gnomAD database, it affects a highly conserved nucleotide and a highly conserved amino acid and there is a moderate physicochemical difference between Pro and Ser. The variant has a pathogenic computational verdict based on 8 pathogenic predictions from BayesDel_addAF, DANN, EIGEN, FATHMM-MKL, M-CAP, MutationTaster, PolyPhen-2 and SIFT vs 2 benign predictions from MVP and REVEL. Thus, we consider this variant to be likely pathogenic. ACMG criteria used for classification: PM2, PM3, PP2, PP3.

Centre for Mendelian Genomics, University Medical Centre Ljubljana
Classification: Uncertain significance for Retinitis pigmentosa 73. Last evaluated: 2018-10-15. Review status: criteria provided, single submitter. Criteria: ACMG Guidelines, 2015. Collection method: clinical testing. Allele origin: unknown. Affected: yes.
Comment: This variant was classified as: Uncertain significance. The available evidence on this variant's pathogenicity is insufficient or conflicting. The following ACMG criteria were applied in classifying this variant: PP3.

Institute of Human Genetics, Univ. Regensburg, Univ. Regensburg
Classification: Uncertain significance for Retinal dystrophy. Last evaluated: 2023-01-01. Review status: no assertion criteria provided. Criteria: ACMG Guidelines, 2015. Collection method: clinical testing. Allele origin: germline. Affected: yes. Not counted in ClinVar's aggregate classification.

Natera, Inc.
Classification: Uncertain significance for Mucopolysaccharidosis type IIIC. Last evaluated: 2019-10-28. Review status: no assertion criteria provided. Collection method: clinical testing. Allele origin: germline. Not counted in ClinVar's aggregate classification.

Clinical Genetics DNA and cytogenetics Diagnostics Lab, Erasmus MC, Erasmus Medical Center
Classification: Uncertain significance. Review status: no assertion criteria provided. Collection method: clinical testing. Allele origin: germline. Affected: yes. Study: VKGL Data-share Consensus. Not counted in ClinVar's aggregate classification.

Clinical Genetics, Academic Medical Center
Classification: Uncertain significance. Review status: no assertion criteria provided. Collection method: clinical testing. Allele origin: germline. Affected: yes. Study: VKGL Data-share Consensus. Not counted in ClinVar's aggregate classification.

Literature cited by the submitters: PubMed 29140481 (cited by Women's Health and Genetics/Laboratory Corporation of America, LabCorp).